The following is an entry in ClinVar:

ClinVar aggregate classification (germline): Uncertain significance. Review status: criteria provided, multiple submitters, no conflicts (2 of 4 stars). 2 submissions from 2 submitters: Uncertain significance (2). Last evaluated 2024-12-27.

Conditions:
Spastic paraplegia. Identifiers: MedGen C0037772, HP:0001258.

Submissions (2):

Dasa
Classification: Uncertain significance. Last evaluated: 2024-12-27. Review status: criteria provided, single submitter. Criteria: DASA Assertion Criteria. Collection method: clinical testing. Allele origin: germline.
Comment: NM_001278116.2(L1CAM):c.2829C>A (p.Ser943Arg) is a missense variant that results in the substitution of serine with arginine. This variant is absent from population databases. Computational prediction algorithms are consistent with a benign effect. The currently available literature and clinical evidence are not sufficient to establish a definitive association between this variant and the reported condition. Therefore, this variant is classified as a variant of uncertain significance.

Labcorp Genetics (formerly Invitae), Labcorp
Classification: Uncertain significance for Spastic paraplegia. Last evaluated: 2024-11-09. Review status: criteria provided, single submitter. Criteria: Invitae Variant Classification Sherloc (09022015). Collection method: clinical testing. Allele origin: germline.
Comment: This sequence change replaces serine, which is neutral and polar, with arginine, which is basic and polar, at codon 943 of the L1CAM protein (p.Ser943Arg). This variant is not present in population databases (gnomAD no frequency). This variant has not been reported in the literature in individuals affected with L1CAM-related conditions. Invitae Evidence Modeling of protein sequence and biophysical properties (such as structural, functional, and spatial information, amino acid conservation, physicochemical variation, residue mobility, and thermodynamic stability) indicates that this missense variant is not expected to disrupt L1CAM protein function with a negative predictive value of 95%. In summary, the available evidence is currently insufficient to determine the role of this variant in disease. Therefore, it has been classified as a Variant of Uncertain Significance.

NM_001278116.2(L1CAM):c.2829C>A (p.Ser943Arg)

Gene: L1CAM (L1 cell adhesion molecule; minus strand). Cytogenetic location: Xq28.
Variant type: single nucleotide variant.
Coding change: c.2829C>A on transcript NM_001278116.2 (MANE Select); coding-DNA position 2829, C replaced by A.
Protein change: p.Ser943Arg; replaces serine 943 with arginine.
Molecular consequence: missense variant.
Genome position (GRCh38, 1-based): chrX:153,865,131, G>T on the plus strand (C>A on the coding strand, the complement: L1CAM is on the minus strand). VCF-style: chrX-153865131-G-T. GRCh37 (hg19) VCF-style: chrX-153130586-G-T.
Other names: c.2829C>A, p.Ser943Arg (NM_000425.5, NM_024003.3); c.2814C>A, p.Ser938Arg (NM_001143963.2); short protein forms S943R, S938R.
Identifiers: ClinVar variation 3697988 (VCV003697988.4).
Genomic context (GRCh38, chrX:153,865,131, plus strand): 5'-TGGGGCGGCGCACGCACGGGGGTGGTAGGAGAGCACGTAGCCGGTGAGCACGCCGTTGTG[G>T]CTGAGTGGGGGCTGCCAGCGCAGCAGCAGGCTGGTGTTCGACTGGCACTCCAGGTGCAAC-3'
Protein context (NP_001265045.1, residues 933-953): SLLLRWQPPL[Ser943Arg]HNGVLTGYVL